The following is an entry in ClinVar:

NM_002047.4(GARS1):c.-38G>A

Gene: GARS1 (glycyl-tRNA synthetase 1; plus strand). Cytogenetic location: 7p14.3.
Variant type: single nucleotide variant.
Coding change: c.-38G>A on transcript NM_002047.4 (MANE Select); 38 bases upstream of the start codon, G replaced by A.
Molecular consequence: 5 prime UTR variant.
Genome position (GRCh38, 1-based): chr7:30,594,884, G>A. VCF-style: chr7-30594884-G-A. GRCh37 (hg19) VCF-style: chr7-30634500-G-A.
Other names: c.-38G>A (LRG_243t1); c.-200G>A (NM_001316772.1).
Identifiers: ClinVar variation 422928 (VCV000422928.2), dbSNP rs1054637945, ClinGen allele CA16618452.

ClinVar aggregate classification (germline): Uncertain significance (1 of 4 stars; one submission).

Allele frequency attached by ClinVar (database versions not stated): gnomAD exomes 0.00002; TOPMed 0.00002.
gnomAD v4.1: 23 of 1,501,554 alleles (0.0015%); highest among the groups gnomAD compares: Middle Eastern, 0.023%; no homozygotes.

Submission:

GeneDx
Classification: Uncertain significance. Last evaluated: 2017-01-04. Review status: criteria provided, single submitter. Criteria: GeneDx Variant Classification (06012015). Collection method: clinical testing. Allele origin: germline. Affected: yes.
Comment: The c.-38 G>A variant has not been published as a pathogenic variant, nor has it been reported as a benign variant to our knowledge. The c.-38 G>A variant is not observed in large population cohorts (1000 Genomes Consortium et al., 2015; Exome Variant Server) This variant is not in the Kozak consensus sequence, which plays a role in the initiation of protein translation. This substitution occurs at a position that is conserved. Therefore, based on the currently available information, it is unclear whether this variant is a pathogenic variant or a rare benign variant